The following is an entry in ClinVar:

NC_000004.12:g.(?_150310209)_(150350179_?)del

Genes: LRBA (LPS responsive beige-like anchor protein; minus strand), LOC123493216 (Sharpr-MPRA regulatory region 13510; plus strand), LOC129993219 (ATAC-STARR-seq lymphoblastoid active region 22014; plus strand). Cytogenetic location: 4q31.3.
Variant type: Deletion.
Identifiers: ClinVar variation 584033 (VCV000584033.3).

ClinVar aggregate classification (germline): Pathogenic (1 of 4 stars; one submission).

Conditions:
Combined immunodeficiency due to LRBA deficiency. Also called: Common variable immunodeficiency 8, with autoimmunity. Identifiers: Orphanet 445018, MedGen C3553512, MONDO:0013863, OMIM 614700.

Submission:

Labcorp Genetics (formerly Invitae), Labcorp
Classification: Pathogenic for Combined immunodeficiency due to LRBA deficiency. Last evaluated: 2018-02-24. Review status: criteria provided, single submitter. Criteria: Invitae Variant Classification Sherloc (09022015). Collection method: clinical testing. Allele origin: germline.
Comment: This variant is an out-of-frame deletion of the genomic region encompassing exons 49-53 of the LRBA gene. This is expected to create a premature translational stop signal and result in an absent or disrupted protein product. This variant has not been reported in the literature in individuals with LRBA-related disease. Loss-of-function variants in LRBA are known to be pathogenic (PMID: 26206937, 26768763). For these reasons, this variant has been classified as Pathogenic.

Literature cited by the submitters: PubMed 26206937; PubMed 26768763.